The following is an entry in ClinVar:

ClinVar aggregate classification (germline): Pathogenic (1 of 4 stars; one submission).

Conditions:
Polycystic kidney disease, adult type (PKD1). Also called: Polycystic Kidney, Autosomal Dominant; POLYCYSTIC KIDNEY DISEASE, ADULT, TYPE I; Polycystic Kidney Disease 1, Autosomal Dominant; Polycystic kidney disease 1; Polycystic kidney disease 1, severe; POLYCYSTIC KIDNEY DISEASE 1 WITH OR WITHOUT POLYCYSTIC LIVER DISEASE. Identifiers: MedGen C3149841, MONDO:0008263, OMIM 173900.

Submission:

MVZ Medizinische Genetik Mainz
Classification: Pathogenic for Polycystic kidney disease, adult type. Last evaluated: 2025-09-22. Review status: criteria provided, single submitter. Criteria: UK Practice Guidelines For Variant Classification V4 01 2020. Collection method: clinical testing. Allele origin: germline. Inheritance: Autosomal dominant inheritance. Affected: yes. Observed: 1 variant allele.
Comment: ACMG Criteria: PVS1,PM2_SUP,PP4

NM_001009944.3(PKD1):c.12615del (p.Thr4206fs)

Gene: PKD1 (polycystin 1, transient receptor potential channel interacting; minus strand). Cytogenetic location: 16p13.3.
Variant type: Deletion.
Coding change: c.12615del on transcript NM_001009944.3 (MANE Select); coding-DNA position 12615, one base deleted (G; older notation c.12615delG).
Protein change: p.Thr4206fs; shifts the reading frame from threonine 4206.
Molecular consequence: frameshift variant.
Genome position (GRCh38, 1-based): chr16:2,090,024, C deleted on the plus strand (G on the coding strand, the reverse complement: PKD1 is on the minus strand); the first of 4 consecutive C bases (chr16:2,090,024-2,090,027); deleting any one gives the same sequence. VCF-style (leftmost placement, unchanged base first): chr16-2090023-TC-T. GRCh37 (hg19) VCF-style: chr16-2140024-TC-T.
Other names: c.12612del, p.Thr4205fs (NM_000296.4); short protein forms T4205fs, T4206fs.
Identifiers: ClinVar variation 4526523 (VCV004526523.1).
Genomic context (GRCh38, chr16:2,090,023, plus strand): 5'-ACTGGGTGAGCAGGGCCTCGAACACGGCTTGGAGGCGGGAGGGCTCAGGCTCACACCTTG[TC>T]CCCAGCCGGCCCAGGCTCACGCTCAGCCCATCCAGCTGGCTGGAGGAGGTGGAGGGGTGC-3'